The following is an entry in ClinVar:

ClinVar aggregate classification (germline): Uncertain significance (1 of 4 stars; one submission).

Submission:

GeneDx
Classification: Uncertain significance. Last evaluated: 2026-08-26. Review status: criteria provided, single submitter. Criteria: GeneDx Variant Classification Process June 2021. Collection method: clinical testing. Allele origin: germline.
Comment: Not observed at significant frequency in large population cohorts (gnomAD); In silico analysis suggests that this missense variant does not alter protein structure/function; Has not been previously published as pathogenic or benign to our knowledge

NM_021964.3(ZNF148):c.700A>T (p.Met234Leu)

Gene: ZNF148 (zinc finger protein 148; minus strand). Cytogenetic location: 3q21.2.
Variant type: single nucleotide variant.
Coding change: c.700A>T on transcript NM_021964.3 (MANE Select); coding-DNA position 700, A replaced by T.
Protein change: p.Met234Leu; replaces methionine 234 with leucine.
Molecular consequence: missense variant.
Genome position (GRCh38, 1-based): chr3:125,234,297, T>A on the plus strand (A>T on the coding strand, the complement: ZNF148 is on the minus strand). VCF-style: chr3-125234297-T-A. GRCh37 (hg19) VCF-style: chr3-124953141-T-A.
Other names: c.700A>T, p.Met234Leu (NM_001348424.1, NM_001348425.2, NM_001348426.2 and 7 more transcripts); c.574A>T, p.Met192Leu (NM_001348434.2); short protein forms M192L, M234L.
Identifiers: ClinVar variation 3343327 (VCV003343327.2).